The following is an entry in ClinVar:

ClinVar aggregate classification (germline): Likely benign. Review status: criteria provided, multiple submitters, no conflicts (2 of 4 stars). 5 submissions from 5 submitters: Likely benign (5). Last evaluated 2026-02-03.

Conditions:
Tuberous sclerosis syndrome (TSC). Also called: Tuberous Sclerosis Complex; Tuberous sclerosis. Identifiers: Orphanet 805, MedGen C0041341, MONDO:0001734.
Tuberous sclerosis 1 (TSC1). Identifiers: Orphanet 805, MedGen C1854465, MONDO:0008612, OMIM 191100.

Allele frequency attached by ClinVar (database versions not stated): gnomAD 0.00001; gnomAD exomes 0.00001; TOPMed 0.00002.
gnomAD v4.1: 19 of 1,612,960 alleles (0.0012%); highest among the groups gnomAD compares: Non-Finnish European, 0.0015%; no homozygotes.

Submissions (5):

Labcorp Genetics (formerly Invitae), Labcorp
Classification: Likely benign for Tuberous sclerosis 1. Last evaluated: 2026-02-03. Review status: criteria provided, single submitter. Criteria: Invitae Variant Classification Sherloc (09022015). Collection method: clinical testing. Allele origin: germline.

Myriad Genetics, Inc.
Classification: Likely benign for Tuberous sclerosis 1. Last evaluated: 2025-04-25. Review status: criteria provided, single submitter. Criteria: Myriad Autosomal Dominant, Autosomal Recessive and X-Linked Classification Criteria (2023). Collection method: clinical testing. Allele origin: unknown.
Comment: This variant is considered likely benign. This variant is intronic and is not expected to impact mRNA splicing.

All of Us Research Program, National Institutes of Health
Classification: Likely benign for Tuberous sclerosis syndrome. Last evaluated: 2023-12-07. Review status: criteria provided, single submitter. Criteria: ACMG Guidelines, 2015. Collection method: clinical testing. Allele origin: germline. Inheritance: Autosomal dominant inheritance. Observed: 3 variant alleles, 3 heterozygotes.
Comment: This study involves interpretation of variants in research participants for the purpose of population health screening. Participant phenotype was not available at the time of variant classification. Additional details can be found in publication PMID: 35346344, PMCID: PMC8962531

Color Diagnostics, LLC DBA Color Health
Classification: Likely benign for Tuberous sclerosis syndrome. Last evaluated: 2022-11-15. Review status: criteria provided, single submitter. Criteria: ACMG Guidelines, 2015. Collection method: clinical testing. Allele origin: germline.

GeneDx
Classification: Likely benign. Last evaluated: 2017-01-17. Review status: criteria provided, single submitter. Criteria: GeneDx Variant Classification (06012015). Collection method: clinical testing. Allele origin: germline. Affected: yes.
Comment: This variant is considered likely benign or benign based on one or more of the following criteria: it is a conservative change, it occurs at a poorly conserved position in the protein, it is predicted to be benign by multiple in silico algorithms, and/or has population frequency not consistent with disease.

NM_000368.5(TSC1):c.2392-14G>A

Gene: TSC1 (TSC complex subunit 1; minus strand). Cytogenetic location: 9q34.13.
Variant type: single nucleotide variant.
Coding change: c.2392-14G>A on transcript NM_000368.5 (MANE Select); 14 bases into the intron before coding-DNA position 2392, G replaced by A.
Molecular consequence: intron variant.
Genome position (GRCh38, 1-based): chr9:132,901,713, C>T on the plus strand (G>A on the coding strand, the complement: TSC1 is on the minus strand). VCF-style: chr9-132901713-C-T. GRCh37 (hg19) VCF-style: chr9-135777100-C-T.
Other names: c.2029-14G>A (NM_001362177.2); c.2239-14G>A (NM_001162427.2); c.2389-14G>A (NM_001162426.2).
Identifiers: ClinVar variation 392953 (VCV000392953.11), dbSNP rs1057524717, ClinGen allele CA16605545.